The following is an entry in ClinVar:

NM_013382.7(POMT2):c.1790T>C (p.Val597Ala)

Gene: POMT2 (protein O-mannosyltransferase 2; minus strand). Cytogenetic location: 14q24.3.
Variant type: single nucleotide variant.
Coding change: c.1790T>C on transcript NM_013382.7 (MANE Select); coding-DNA position 1790, T replaced by C.
Protein change: p.Val597Ala; replaces valine 597 with alanine.
Molecular consequence: missense variant.
Genome position (GRCh38, 1-based): chr14:77,279,924, A>G on the plus strand (T>C on the coding strand, the complement: POMT2 is on the minus strand). VCF-style: chr14-77279924-A-G. GRCh37 (hg19) VCF-style: chr14-77746267-A-G.
Other names: short protein forms V597A.
Identifiers: ClinVar variation 580350 (VCV000580350.10), dbSNP rs1171196217, ClinGen allele CA390514898.
Genomic context (GRCh38, chr14:77,279,924, plus strand): 5'-ACAGCAATGATGCTCCCTGAGAGGAGGTAGAGGGCGATGCTCAACAGATTCAGCCACCAA[A>G]CCACCTGTGCAGAAATGGGAATGGGCAGATGAGAACGCAGCCGCTCTCCACGGGCAAGTG-3'
Protein context (NP_037514.2, residues 587-607): FRVYLLGNPV[Val597Ala]WWLNLLSIAL

ClinVar aggregate classification (germline): Uncertain significance. Review status: criteria provided, multiple submitters, no conflicts (2 of 4 stars). 2 submissions from 2 submitters: Uncertain significance (2). Last evaluated 2025-10-02.

Conditions:
Muscular dystrophy-dystroglycanopathy (congenital with impaired intellectual development), type B, 2. Also called: Muscular dystrophy-dystroglycanopathy (congenital with intellectual disability), type B2; MUSCULAR DYSTROPHY, CONGENITAL, POMT2-RELATED. Identifiers: MedGen C3150416, MONDO:0013160, OMIM 613156.
Autosomal recessive limb-girdle muscular dystrophy type 2N. Also called: Muscular dystrophy-dystroglycanopathy (limb-girdle), type C, 2; MUSCULAR DYSTROPHY-DYSTROGLYCANOPATHY, LIMB-GIRDLE, POMT2-RELATED. Identifiers: Orphanet 206559, MedGen C3150418, MONDO:0013162, OMIM 613158.
Muscular dystrophy-dystroglycanopathy (congenital with brain and eye anomalies), type A2. Also called: MUSCULAR DYSTROPHY-DYSTROGLYCANOPATHY (CONGENITAL WITH BRAIN AND EYE ANOMALIES), TYPE A, 2; WALKER-WARBURG SYNDROME OR MUSCLE-EYE-BRAIN DISEASE, POMT2-RELATED. Identifiers: Orphanet 588, Orphanet 899, MedGen C3150411, MONDO:0013154, OMIM 613150.
Inborn genetic diseases. Identifiers: MedGen C0950123, MeSH D030342.

Allele frequency attached by ClinVar (database versions not stated): gnomAD exomes 0.00001; gnomAD 0.00001; TOPMed 0.00001.
gnomAD v4.1: 9 of 1,614,010 alleles (0.00056%); highest among the groups gnomAD compares: Non-Finnish European, 0.00076%; no homozygotes.

Submissions (2):

Labcorp Genetics (formerly Invitae), Labcorp
Classification: Uncertain significance for Muscular dystrophy-dystroglycanopathy (congenital with impaired intellectual development), type B, 2; Muscular dystrophy-dystroglycanopathy (congenital with brain and eye anomalies), type A2; Autosomal recessive limb-girdle muscular dystrophy type 2N. Last evaluated: 2025-10-02. Review status: criteria provided, single submitter. Criteria: Invitae Variant Classification Sherloc (09022015). Collection method: clinical testing. Allele origin: germline.
Comment: This sequence change replaces valine, which is neutral and non-polar, with alanine, which is neutral and non-polar, at codon 597 of the POMT2 protein (p.Val597Ala). This variant is present in population databases (no rsID available, gnomAD 0.002%). This variant has not been reported in the literature in individuals affected with POMT2-related conditions. ClinVar contains an entry for this variant (Variation ID: 580350). Invitae Evidence Modeling of protein sequence and biophysical properties (such as structural, functional, and spatial information, amino acid conservation, physicochemical variation, residue mobility, and thermodynamic stability) indicates that this missense variant is not expected to disrupt POMT2 protein function with a negative predictive value of 80%. In summary, the available evidence is currently insufficient to determine the role of this variant in disease. Therefore, it has been classified as a Variant of Uncertain Significance.

Ambry Genetics
Classification: Uncertain significance for Inborn genetic diseases. Last evaluated: 2025-07-15. Review status: criteria provided, single submitter. Criteria: Ambry Variant Classification Scheme 2023. Collection method: clinical testing. Allele origin: germline.